The following is an entry in ClinVar:

ClinVar aggregate classification (germline): Uncertain significance (1 of 4 stars; one submission).

Conditions:
2-aminoadipic 2-oxoadipic aciduria (AAKAD). Also called: ALPHA-AMINOADIPIC AND ALPHA-KETOADIPIC ACIDURIA; Aminoadipic aciduria. Identifiers: Orphanet 79154, MedGen C1859817, MONDO:0008774, OMIM 204750.

Allele frequency attached by ClinVar (database versions not stated): gnomAD exomes 0.00001; ExAC 0.00002; gnomAD 0.00002; TOPMed 0.00003; 1000 Genomes Project 30x 0.00016; 1000 Genomes Project 0.00020.
gnomAD v4.1: 13 of 1,614,020 alleles (0.00081%); highest among the groups gnomAD compares: African/African-American, 0.0067%; no homozygotes.

Submission:

Labcorp Genetics (formerly Invitae), Labcorp
Classification: Uncertain significance for 2-aminoadipic 2-oxoadipic aciduria. Last evaluated: 2023-10-13. Review status: criteria provided, single submitter. Criteria: Invitae Variant Classification Sherloc (09022015). Collection method: clinical testing. Allele origin: germline.
Comment: This sequence change replaces glycine, which is neutral and non-polar, with arginine, which is basic and polar, at codon 213 of the DHTKD1 protein (p.Gly213Arg). This variant is present in population databases (rs545518487, gnomAD 0.007%). This variant has not been reported in the literature in individuals affected with DHTKD1-related conditions. Advanced modeling of protein sequence and biophysical properties (such as structural, functional, and spatial information, amino acid conservation, physicochemical variation, residue mobility, and thermodynamic stability) has been performed at Invitae for this missense variant, however the output from this modeling did not meet the statistical confidence thresholds required to predict the impact of this variant on DHTKD1 protein function. In summary, the available evidence is currently insufficient to determine the role of this variant in disease. Therefore, it has been classified as a Variant of Uncertain Significance.

NM_018706.7(DHTKD1):c.637G>A (p.Gly213Arg)

Gene: DHTKD1 (dehydrogenase E1 and transketolase domain containing 1; plus strand). Cytogenetic location: 10p14.
Variant type: single nucleotide variant.
Coding change: c.637G>A on transcript NM_018706.7 (MANE Select); coding-DNA position 637, G replaced by A.
Protein change: p.Gly213Arg; replaces glycine 213 with arginine.
Molecular consequence: missense variant.
Genome position (GRCh38, 1-based): chr10:12,087,649, G>A. VCF-style: chr10-12087649-G-A. GRCh37 (hg19) VCF-style: chr10-12129648-G-A.
Other names: short protein forms G213R.
Identifiers: ClinVar variation 2916298 (VCV002916298.3), dbSNP rs545518487, ClinGen allele CA5407598.